The following is an entry in ClinVar:

ClinVar aggregate classification (germline): Uncertain significance (1 of 4 stars; one submission).

Conditions:
Cardiovascular phenotype. Identifiers: MedGen CN230736.
Hereditary cancer-predisposing syndrome. Also called: Neoplastic Syndromes, Hereditary; Tumor predisposition; Hereditary Cancer Syndrome; Hereditary neoplastic syndrome. Identifiers: Orphanet 140162, MedGen C0027672, MeSH D009386, MONDO:0015356.

Submission:

Ambry Genetics
Classification: Uncertain significance for Cardiovascular phenotype; Hereditary cancer-predisposing syndrome. Last evaluated: 2026-06-10. Review status: criteria provided, single submitter. Criteria: Ambry Variant Classification Scheme 2023. Collection method: clinical testing. Allele origin: germline.
Comment: The p.V233L variant (also known as c.697G>C), located in coding exon 8 of the LZTR1 gene, results from a G to C substitution at nucleotide position 697. The valine at codon 233 is replaced by leucine, an amino acid with highly similar properties. This amino acid position is conserved. In addition, this alteration is predicted to be tolerated by in silico analysis. Based on the available evidence, the clinical significance of this variant remains unclear.

NM_006767.4(LZTR1):c.697G>C (p.Val233Leu)

Gene: LZTR1 (leucine zipper like post translational regulator 1; plus strand). Cytogenetic location: 22q11.21.
Variant type: single nucleotide variant.
Coding change: c.697G>C on transcript NM_006767.4 (MANE Select); coding-DNA position 697, G replaced by C.
Protein change: p.Val233Leu; replaces valine 233 with leucine.
Molecular consequence: missense variant.
Genome position (GRCh38, 1-based): chr22:20,990,431, G>C. VCF-style: chr22-20990431-G-C. GRCh37 (hg19) VCF-style: chr22-21344720-G-C.
Other names: short protein forms V233L.
Identifiers: ClinVar variation 4859432 (VCV004859432.1).